The following is an entry in ClinVar:

ClinVar aggregate classification (germline): Conflicting classifications of pathogenicity. Review status: criteria provided, conflicting classifications (1 of 4 stars). 6 submissions from 6 submitters: Uncertain significance (1); Benign (1); Likely benign (4). Last evaluated 2025-03-19.

Conditions:
P2RX2-related disorder. Also called: P2RX2-related condition.

Allele frequency attached by ClinVar (database versions not stated): ESP Exome Variant Server 0.00015; TOPMed 0.00015; gnomAD 0.00018 and 0.00020; 1000 Genomes Project 0.00020; ExAC 0.00024; gnomAD exomes 0.00027 and 0.00029; 1000 Genomes Project 30x 0.00031.

Submissions (6):

PreventionGenetics, part of Exact Sciences
Classification: Likely benign for P2RX2-related condition. Last evaluated: 2025-03-19. Review status: criteria provided, single submitter. Criteria: ACMG Guidelines, 2015. Collection method: clinical testing. Allele origin: germline.
Comment: This variant is classified as likely benign based on ACMG/AMP sequence variant interpretation guidelines (Richards et al. 2015 PMID: 25741868, with internal and published modifications).

Labcorp Genetics (formerly Invitae), Labcorp
Classification: Likely benign. Last evaluated: 2025-03-17. Review status: criteria provided, single submitter. Criteria: Invitae Variant Classification Sherloc (09022015). Collection method: clinical testing. Allele origin: germline.

Ambry Genetics
Classification: Uncertain significance. Last evaluated: 2021-07-09. Review status: criteria provided, single submitter. Criteria: Ambry Variant Classification Scheme 2023. Collection method: clinical testing. Allele origin: germline.

GeneDx
Classification: Likely benign. Last evaluated: 2020-09-24. Review status: criteria provided, single submitter. Criteria: GeneDx Variant Classification Process June 2021. Collection method: clinical testing. Allele origin: germline. Affected: yes.

Athena Diagnostics
Classification: Benign. Last evaluated: 2019-07-22. Review status: criteria provided, single submitter. Criteria: Athena Diagnostics Criteria. Collection method: clinical testing. Allele origin: germline.

Laboratory for Molecular Medicine, Mass General Brigham Personalized Medicine
Classification: Likely benign. Last evaluated: 2017-06-28. Review status: criteria provided, single submitter. Criteria: LMM Criteria. Collection method: clinical testing. Allele origin: germline. Observed: 1 variant allele.
Comment: p.Glu481Lys in exon 10B of P2RX2: This variant is not expected to have clinical significance due to a lack of conservation across species, including mammals. Of note, at least 3 mammals have a lysine (Lys) at this position. In addition, com putational prediction tools do not suggest a high likelihood of impact to the pr otein. It has also been identified in 0.1% (20/34408) of Latino chromosomes by t he Genome Aggregation Database (gnomAD; dbSNP rs199955493).

NM_170682.4(P2RX2):c.1363G>A (p.Glu455Lys)

Gene: P2RX2 (purinergic receptor P2X 2; plus strand). Cytogenetic location: 12q24.33.
Variant type: single nucleotide variant.
Coding change: c.1363G>A on transcript NM_170682.4 (MANE Select); coding-DNA position 1363, G replaced by A.
Protein change: p.Glu455Lys; replaces glutamic acid 455 with lysine.
Molecular consequence: missense variant. On other transcripts: 3 prime UTR variant (1).
Genome position (GRCh38, 1-based): chr12:132,621,919, G>A. VCF-style: chr12-132621919-G-A. GRCh37 (hg19) VCF-style: chr12-133198505-G-A.
Other names: c.1060G>A, p.Glu354Lys (NM_001282164.2); c.*410G>A (NM_001282165.2); c.1147G>A, p.Glu383Lys (NM_012226.5); c.1291G>A, p.Glu431Lys (NM_016318.4); c.1441G>A, p.Glu481Lys (NM_170683.4); c.1087G>A, p.Glu363Lys (NM_174872.3); c.1162G>A, p.Glu388Lys (NM_174873.3); short protein forms E383K, E388K, E481K, E363K, E354K, E431K, E455K.
Identifiers: ClinVar variation 505872 (VCV000505872.15), dbSNP rs199955493, ClinGen allele CA6891902.
Genomic context (GRCh38, chr12:132,621,919, plus strand): 5'-CCCCTGCGGCCTTGCCCCATCTCTGCCCCTTCTGAGCAGATGGTGGACACTCCTGCCTCC[G>A]AGCCTGCCCAAGCCTCCACACCCACAGACCCCAAAGGTTTGGCTCAACTCTGAGCTCCTT-3'
Protein context (NP_733782.1, residues 445-465): SEQMVDTPAS[Glu455Lys]PAQASTPTDP